The following is an entry in ClinVar:

NM_001323289.2(CDKL5):c.99+1G>T

Gene: CDKL5 (cyclin dependent kinase like 5; plus strand). Cytogenetic location: Xp22.13.
Variant type: single nucleotide variant.
Coding change: c.99+1G>T on transcript NM_001323289.2 (MANE Select); the canonical splice donor site of the intron after coding-DNA position 99, G replaced by T.
Molecular consequence: splice donor variant.
Genome position (GRCh38, 1-based): chrX:18,510,855, G>T. VCF-style: chrX-18510855-G-T. GRCh37 (hg19) VCF-style: chrX-18528975-G-T.
Other names: c.99+1G>T (NM_003159.3, NM_001037343.2).
Identifiers: ClinVar variation 156097 (VCV000156097.4), dbSNP rs267608421, ClinGen allele CA199419.

ClinVar aggregate classification (germline): Pathogenic/Likely pathogenic. Review status: criteria provided, multiple submitters, no conflicts (2 of 4 stars). 4 submissions from 3 submitters: Pathogenic (1); Likely pathogenic (1). 2 of the submissions do not count toward it. Last evaluated 2024-09-24.

Conditions:
CDKL5 disorder. Identifiers: MedGen CN296942, MONDO:0100039.
West syndrome. Also called: Infantile epileptic spasms syndrome. Identifiers: Orphanet 3451, Orphanet 697160, MedGen C0037769, MONDO:0018097. Disease mechanism: loss of function.
Developmental and epileptic encephalopathy, 2 (DEE2). Also called: INFANTILE SPASM SYNDROME, X-LINKED 2; CDKL5 deficiency disorder. Identifiers: Orphanet 1934, Orphanet 3451, Orphanet 505652, MedGen C4750718, MONDO:0010396, OMIM 300672.

Submissions (4):

Centre for Population Genomics, CPG
Classification: Pathogenic for CDKL5 disorder. Last evaluated: 2024-09-24. Review status: criteria provided, single submitter. Criteria: McKnight et al. (Hum Mutat. 2022). Collection method: curation. Allele origin: germline. Inheritance: X-linked inheritance.
Comment: This variant has been collected from RettBASE and curated to current modified ACMG/AMP criteria. Based on the classification scheme defined by the ClinGen Rett/Angelman-like Expert Panel for Rett/AS-like Disorders Specifications to the ACMG/AMP Variant Interpretation Guidelines VCEP 3.0, this variant is classified as pathogenic. At least the following criteria are met: Predicted to result in loss of function, and LOF is a known mechanism of disease (PVS1). This variant is absent from gnomAD v4 (PM2_Supporting). Has been observed in at least 2 individuals with phenotypes consistent with CDKL5 disorder (PS4_Supporting). PMID:22670135 , PMID:18790821 Variation ID: 156097

Center for Human Genetics, Inc
Classification: Likely pathogenic for West syndrome. Last evaluated: 2016-11-01. Review status: criteria provided, single submitter. Criteria: ACMG Guidelines, 2015. Collection method: clinical testing. Allele origin: germline. Affected: yes.

RettBASE
Classification: Pathogenic for Epileptic encephalopathy, early infantile, 2. Last evaluated: 2014-03-13. Review status: no assertion criteria provided. Collection method: curation. Allele origin: de novo. Affected: yes. Observed: 1 variant allele. Not counted in ClinVar's aggregate classification.
Comment: Bahi-Buisson et al 2008 showed skipping of exon 3

RettBASE
No classification provided. Review status: flagged submission. Collection method: not provided. Allele origin: not provided. Not counted in ClinVar's aggregate classification.
ClinVar note: Reason: This record appears to be redundant with a more recent record from the same submitter.
ClinVar note: Notes: SCV000189222 appears to be redundant with SCV000222367.

Literature cited by the submitters: PubMed 18790821 (cited by RettBASE).